The following is an entry in ClinVar:

ClinVar aggregate classification (germline): Uncertain significance. Review status: criteria provided, single submitter (1 of 4 stars). 2 submissions from 2 submitters: Uncertain significance (1). 1 of the submissions does not count toward it. Last evaluated 2021-09-01.

Conditions:
Achondrogenesis, type IB (ACG1B). Also called: Achondrogenesis Type 1B. Identifiers: Orphanet 932, Orphanet 93298, MedGen C0265274, MONDO:0010966, OMIM 600972.
Multiple epiphyseal dysplasia type 4 (EDM4). Also called: Multiple Epiphyseal Dysplasia, Recessive; SLC26A2-Related Multiple Epiphyseal Dysplasia; MULTIPLE EPIPHYSEAL DYSPLASIA WITH BILAYERED PATELLAE; MULTIPLE EPIPHYSEAL DYSPLASIA WITH CLUBFOOT; MULTIPLE EPIPHYSEAL DYSPLASIA, AUTOSOMAL RECESSIVE. Identifiers: Orphanet 93307, MedGen C1847593, MONDO:0009189, OMIM 226900.
Diastrophic dysplasia (DTD). Also called: Diastrophic dwarfism. Identifiers: Orphanet 628, MedGen C0220726, MONDO:0009107, OMIM 222600.
Atelosteogenesis type II (AO2). Also called: Neonatal osseous dysplasia 1; SLC26A2-Related Atelosteogenesis; NEONATAL OSSEOUS DYSPLASIA I. Identifiers: Orphanet 56304, MedGen C1850554, MONDO:0009727, OMIM 256050.

Allele frequency attached by ClinVar (database versions not stated): gnomAD exomes 0.00001; TOPMed 0.00002.
gnomAD v4.1: 4 of 1,614,104 alleles (0.00025%); highest among the groups gnomAD compares: Non-Finnish European, 0.00025%; no homozygotes.

Submissions (2):

Labcorp Genetics (formerly Invitae), Labcorp
Classification: Uncertain significance for Atelosteogenesis type II; Multiple epiphyseal dysplasia type 4; Achondrogenesis, type IB; Diastrophic dysplasia. Last evaluated: 2021-09-01. Review status: criteria provided, single submitter. Criteria: Invitae Variant Classification Sherloc (09022015). Collection method: clinical testing. Allele origin: germline.
Comment: This sequence change replaces histidine with asparagine at codon 298 of the SLC26A2 protein (p.His298Asn). The histidine residue is moderately conserved and there is a small physicochemical difference between histidine and asparagine. This variant is not present in population databases (ExAC no frequency). This variant has not been reported in the literature in individuals affected with SLC26A2-related conditions. Algorithms developed to predict the effect of missense changes on protein structure and function (SIFT, PolyPhen-2, Align-GVGD) all suggest that this variant is likely to be tolerated. In summary, the available evidence is currently insufficient to determine the role of this variant in disease. Therefore, it has been classified as a Variant of Uncertain Significance.

Natera, Inc.
Classification: Uncertain significance for Achondrogenesis type IB. Last evaluated: 2020-11-29. Review status: no assertion criteria provided. Collection method: clinical testing. Allele origin: germline. Not counted in ClinVar's aggregate classification.

NM_000112.4(SLC26A2):c.892C>A (p.His298Asn)

Gene: SLC26A2 (solute carrier family 26 member 2; plus strand). Cytogenetic location: 5q32.
Variant type: single nucleotide variant.
Coding change: c.892C>A on transcript NM_000112.4 (MANE Select); coding-DNA position 892, C replaced by A.
Protein change: p.His298Asn; replaces histidine 298 with asparagine.
Molecular consequence: missense variant.
Genome position (GRCh38, 1-based): chr5:149,980,485, C>A. VCF-style: chr5-149980485-C-A. GRCh37 (hg19) VCF-style: chr5-149360048-C-A.
Other names: short protein forms H298N.
Identifiers: ClinVar variation 651753 (VCV000651753.7), dbSNP rs1025069199, ClinGen allele CA129083884.